The following is an entry in ClinVar:

NM_000399.5(EGR2):c.37A>G (p.Thr13Ala)

Gene: EGR2 (early growth response 2; minus strand). Cytogenetic location: 10q21.3.
Variant type: single nucleotide variant.
Coding change: c.37A>G on transcript NM_000399.5 (MANE Select); coding-DNA position 37, A replaced by G.
Protein change: p.Thr13Ala; replaces threonine 13 with alanine.
Molecular consequence: missense variant. On other transcripts: intron variant (2).
Genome position (GRCh38, 1-based): chr10:62,815,993, T>C on the plus strand (A>G on the coding strand, the complement: EGR2 is on the minus strand). VCF-style: chr10-62815993-T-C. GRCh37 (hg19) VCF-style: chr10-64575753-T-C.
Other names: c.37A>G, p.Thr13Ala (NM_001136177.3, NM_001136178.2); c.-90-24A>G (NM_001321037.2, NM_001136179.3); short protein forms T13A.
Identifiers: ClinVar variation 1735035 (VCV001735035.2), dbSNP rs2492308701, ClinGen allele CA377034522.

ClinVar aggregate classification (germline): Uncertain significance (1 of 4 stars; one submission).

Conditions:
Inborn genetic diseases. Identifiers: MedGen C0950123, MeSH D030342.

Submission:

Ambry Genetics
Classification: Uncertain significance for Inborn genetic diseases. Last evaluated: 2020-12-18. Review status: criteria provided, single submitter. Criteria: Ambry Variant Classification Scheme 2023. Collection method: clinical testing. Allele origin: germline.
Comment: The p.T13A variant (also known as c.37A>G), located in coding exon 1 of the EGR2 gene, results from an A to G substitution at nucleotide position 37. The threonine at codon 13 is replaced by alanine, an amino acid with similar properties. This amino acid position is not well conserved in available vertebrate species. In addition, this alteration is predicted to be tolerated by in silico analysis. Since supporting evidence is limited at this time, the clinical significance of this alteration remains unclear.